The following is an entry in ClinVar:

NM_000051.4(ATM):c.5192C>G (p.Ser1731Ter)

Gene: ATM (ATM serine/threonine kinase; plus strand). Cytogenetic location: 11q22.3.
Variant type: single nucleotide variant.
Coding change: c.5192C>G on transcript NM_000051.4 (MANE Select); coding-DNA position 5192, C replaced by G.
Protein change: p.Ser1731Ter; replaces serine 1731 with a stop codon.
Molecular consequence: nonsense.
Genome position (GRCh38, 1-based): chr11:108,301,662, C>G. VCF-style: chr11-108301662-C-G. GRCh37 (hg19) VCF-style: chr11-108172389-C-G.
Other names: c.5192C>G, p.Ser1731Ter (NM_001351834.2); short protein forms S1731*.
Identifiers: ClinVar variation 265563 (VCV000265563.8), dbSNP rs886039627, ClinGen allele CA10588504.

ClinVar aggregate classification (germline): Pathogenic/Likely pathogenic. Review status: criteria provided, multiple submitters, no conflicts (2 of 4 stars). 4 submissions from 4 submitters: Pathogenic (3); Likely pathogenic (1). Last evaluated 2024-11-12.

Conditions:
Familial cancer of breast. Also called: Hereditary breast cancer; BREAST CANCER, FAMILIAL; hereditary breast carcinoma. Identifiers: Orphanet 227535, MedGen C0346153, MONDO:0016419, OMIM 114480. Disease mechanism: loss of function.
Ataxia-telangiectasia syndrome (AT). Also called: LOUIS-BAR SYNDROME; ATAXIA-TELANGIECTASIA, COMPLEMENTATION GROUP A; ATAXIA-TELANGIECTASIA, FRESNO VARIANT; Ataxia-telangiectasia; Cerebello-oculocutaneous telangiectasia; Immunodeficiency with ataxia telangiectasia. Identifiers: Orphanet 100, MedGen C0004135, MONDO:0008840, OMIM 208900.

gnomAD v4.1: 1 of 1,613,532 alleles (0.000062%); highest among the groups gnomAD compares: Non-Finnish European, 0.000085%; no homozygotes.

Submissions (4):

Molecular Pathology, Peter Maccallum Cancer Centre
Classification: Pathogenic for Ataxia-telangiectasia syndrome. Last evaluated: 2024-11-12. Review status: criteria provided, single submitter. Criteria: ACMG Guidelines, 2015. Collection method: clinical testing. Allele origin: germline. Inheritance: Autosomal recessive inheritance.

Myriad Genetics, Inc.
Classification: Pathogenic for Familial cancer of breast. Last evaluated: 2024-01-25. Review status: criteria provided, single submitter. Criteria: Myriad Autosomal Dominant, Autosomal Recessive and X-Linked Classification Criteria (2023). Collection method: clinical testing. Allele origin: unknown.
Comment: This variant is considered pathogenic. This variant creates a termination codon and is predicted to result in premature protein truncation.

Labcorp Genetics (formerly Invitae), Labcorp
Classification: Pathogenic for Ataxia-telangiectasia syndrome. Last evaluated: 2023-04-12. Review status: criteria provided, single submitter. Criteria: Invitae Variant Classification Sherloc (09022015). Collection method: clinical testing. Allele origin: germline.
Comment: For these reasons, this variant has been classified as Pathogenic. ClinVar contains an entry for this variant (Variation ID: 265563). This premature translational stop signal has been observed in individual(s) with prostate cancer (PMID: 27433846). This variant is not present in population databases (gnomAD no frequency). This sequence change creates a premature translational stop signal (p.Ser1731*) in the ATM gene. It is expected to result in an absent or disrupted protein product. Loss-of-function variants in ATM are known to be pathogenic (PMID: 23807571, 25614872).

GeneDx
Classification: Likely pathogenic. Last evaluated: 2016-04-25. Review status: criteria provided, single submitter. Criteria: GeneDx Variant Classification (06012015). Collection method: clinical testing. Allele origin: germline. Affected: yes.
Comment: This variant is denoted ATM c.5192C>G at the cDNA level and p.Ser1731Ter (S1731X) at the proteinlevel. The substitution creates a nonsense variant, which changes a Serine to a premature stop codon (TCA>TGA),and is predicted to cause loss of normal protein function through either protein truncation or nonsense-mediated mRNAdecay. Although this variant has not, to our knowledge, been reported in the literature, it is considered likely pathogenic.

Literature cited by the submitters: PubMed 27433846 (cited by Labcorp Genetics (formerly Invitae), Labcorp); PubMed 23807571 (cited by Labcorp Genetics (formerly Invitae), Labcorp); PubMed 25614872 (cited by Labcorp Genetics (formerly Invitae), Labcorp).